The following is an entry in ClinVar:

NC_000004.11:g.(?_155506426)_(155510715_155511785)del

Gene: FGA (fibrinogen alpha chain; minus strand). Cytogenetic location: 4q31.3.
Variant type: Deletion.
Identifiers: ClinVar variation 3896539 (VCV003896539.2).

ClinVar aggregate classification (germline): Pathogenic (1 of 4 stars; one submission).

Conditions:
Familial dysfibrinogenemia. Also called: Dysfibrinogenemia, congenital. Identifiers: Orphanet 335, Orphanet 98881, MedGen C0272350, MONDO:0014452, OMIM 616004.

Submission:

Women's Health and Genetics/Laboratory Corporation of America, LabCorp
Classification: Pathogenic for Familial dysfibrinogenemia. Last evaluated: 2025-04-02. Review status: criteria provided, single submitter. Criteria: LabCorp Variant Classification Summary - May 2015. Collection method: clinical testing. Allele origin: germline.
Comment: Variant summary: The variant involves the deletion of exons 2-5 in the FGA gene. A presumed nomenclature of c.(54+1_55-1)_(*220_?)del has been designated for the purposes of this classification. The variant allele was found at a frequency of 8.3e-05 in 120780 control chromosomes in the gnomAD database (Structural Variants v4.1 dataset). This frequency is not significantly higher than estimated for a pathogenic variant in FGA causing Dysfibrinogenemia allowing no conclusion about variant significance. The variant, c.(54+1_55-1)_(*220_?)del has been reported in the literature in both homozygous and compound heterozygous individuals affected with congenital afibrinogenemia (e.g., Neerman-Arbez_2000, Neerman-Arbez_1999). These data indicate that the variant is very likely to be associated with disease. To our knowledge, no experimental evidence demonstrating an impact on protein function has been reported. The following publications have been ascertained in the context of this evaluation (PMID: 9916133, 10891444). ClinVar contains entries for this variant (Variation IDs: 16414; 2506047). Based on the evidence outlined above, the variant was classified as pathogenic.

Literature cited by the submitters: PubMed 10891444; PubMed 9916133.